The following is an entry in ClinVar:

NM_015331.3(NCSTN):c.1179+6C>T

Gene: NCSTN (nicastrin; plus strand). Cytogenetic location: 1q23.2.
Variant type: single nucleotide variant.
Coding change: c.1179+6C>T on transcript NM_015331.3 (MANE Select); 6 bases into the intron after coding-DNA position 1179, C replaced by T.
Molecular consequence: intron variant.
Genome position (GRCh38, 1-based): chr1:160,353,243, C>T. VCF-style: chr1-160353243-C-T. GRCh37 (hg19) VCF-style: chr1-160323033-C-T.
Other names: c.1119+6C>T (NM_001290184.2); c.1179+6C>T (NM_001349729.2); c.765+6C>T (NM_001290186.2).
Identifiers: ClinVar variation 2701224 (VCV002701224.3), dbSNP rs1447007182, ClinGen allele CA890103084.
Genomic context (GRCh38, chr1:160,353,243, plus strand): 5'-GCTTTGGATGCACACAGATCCTGTTTCTCAGAAAAATGAGTCTGTACGGAACCAGGTAAC[C>T]TGAGCATCTCCCCTCATTTCCTATTCCTACAGCTCAGAATCCAGACCCCAACCCCTGCCC-3'

ClinVar aggregate classification (germline): Uncertain significance (1 of 4 stars; one submission).

Allele frequency attached by ClinVar (database versions not stated): TOPMed below 0.00001; gnomAD 0.00001.
gnomAD v4.1: 2 of 1,614,000 alleles (0.00012%); highest among the groups gnomAD compares: Non-Finnish European, 0.00017%; no homozygotes.

Submission:

Labcorp Genetics (formerly Invitae), Labcorp
Classification: Uncertain significance. Last evaluated: 2023-02-26. Review status: criteria provided, single submitter. Criteria: Invitae Variant Classification Sherloc (09022015). Collection method: clinical testing. Allele origin: germline.
Comment: In summary, the available evidence is currently insufficient to determine the role of this variant in disease. Therefore, it has been classified as a Variant of Uncertain Significance. Variants that disrupt the consensus splice site are a relatively common cause of aberrant splicing (PMID: 17576681, 9536098). Algorithms developed to predict the effect of sequence changes on RNA splicing suggest that this variant is not likely to affect RNA splicing. This variant has not been reported in the literature in individuals affected with NCSTN-related conditions. This variant is not present in population databases (gnomAD no frequency). This sequence change falls in intron 10 of the NCSTN gene. It does not directly change the encoded amino acid sequence of the NCSTN protein. It affects a nucleotide within the consensus splice site.

Literature cited by the submitters: PubMed 17576681; PubMed 9536098.